The following is an entry in ClinVar:

NM_015426.5(POC1A):c.18+10G>A

Gene: POC1A (POC1 centriolar protein A; minus strand). Cytogenetic location: 3p21.2.
Variant type: single nucleotide variant.
Coding change: c.18+10G>A on transcript NM_015426.5 (MANE Select); 10 bases into the intron after coding-DNA position 18, G replaced by A.
Molecular consequence: intron variant.
Genome position (GRCh38, 1-based): chr3:52,154,345, C>T on the plus strand (G>A on the coding strand, the complement: POC1A is on the minus strand). VCF-style: chr3-52154345-C-T. GRCh37 (hg19) VCF-style: chr3-52188361-C-T.
Other names: c.18+10G>A (NM_001161580.2); c.-168+10G>A (NM_001161581.2).
Identifiers: ClinVar variation 129986 (VCV000129986.19), dbSNP rs114209632, ClinGen allele CA154724.

ClinVar aggregate classification (germline): Benign. Review status: criteria provided, multiple submitters, no conflicts (2 of 4 stars). 4 submissions from 4 submitters: Benign (3). 1 of the submissions does not count toward it. Last evaluated 2026-02-03.

Allele frequency attached by ClinVar (database versions not stated): gnomAD exomes 0.07648 and 0.07782; TOPMed 0.09103; ESP Exome Variant Server 0.09322; gnomAD 0.09530 and 0.09677; 1000 Genomes Project 30x 0.09588; 1000 Genomes Project 0.09625; ExAC 0.15437.
gnomAD v4.1: 122,451 of 1,555,276 alleles (7.9%); highest among the groups gnomAD compares: African/African-American, 14%; 5,376 homozygotes.

Submissions (4):

Labcorp Genetics (formerly Invitae), Labcorp
Classification: Benign. Last evaluated: 2026-02-03. Review status: criteria provided, single submitter. Criteria: Invitae Variant Classification Sherloc (09022015). Collection method: clinical testing. Allele origin: germline.

GeneDx
Classification: Benign. Last evaluated: 2021-06-20. Review status: criteria provided, single submitter. Criteria: GeneDx Variant Classification Process June 2021. Collection method: clinical testing. Allele origin: germline. Affected: yes.

Breakthrough Genomics
Classification: Benign. Review status: criteria provided, single submitter. Criteria: ACMG Guidelines, 2015. Collection method: not provided. Allele origin: germline. Inheritance: Autosomal recessive inheritance. Affected: yes.

Genetic Services Laboratory, University of Chicago
Classification: Likely benign for AllHighlyPenetrant. Review status: no assertion criteria provided. Collection method: clinical testing. Allele origin: germline. Inheritance: Autosomal recessive inheritance. Not counted in ClinVar's aggregate classification.
Comment: Likely benign based on allele frequency in 1000 Genomes Project or ESP global frequency and its presence in a patient with a rare or unrelated disease phenotype. NOT Sanger confirmed.